The following is an entry in ClinVar:

ClinVar aggregate classification (germline): Pathogenic (1 of 4 stars; one submission).

Conditions:
Glycogen storage disease, type V (GSD5). Also called: MCARDLE DISEASE; MUSCLE GLYCOGEN PHOSPHORYLASE DEFICIENCY; MYOPHOSPHORYLASE DEFICIENCY; PYGM DEFICIENCY; McArdle type glycogen storage disease. Identifiers: Orphanet 368, MedGen C0017924, MONDO:0009293, OMIM 232600.

Submission:

Myriad Genetics, Inc.
Classification: Pathogenic for Glycogen storage disease, type V. Last evaluated: 2024-05-14. Review status: criteria provided, single submitter. Criteria: Myriad Autosomal Dominant, Autosomal Recessive and X-Linked Classification Criteria (2023). Collection method: clinical testing. Allele origin: unknown.
Comment: NM_005609.2(PYGM):c.882_883ins14(K295Sfs*61) is expected to be pathogenic in the context of glycogen storage disease, PYGM-related. This variant is predicted to lead to an abnormal or absent protein product due to the creation of a premature termination codon in PYGM, a gene where loss-of-function variants are known to be pathogenic. Please note: this variant was assessed in the context of healthy population screening.

NM_005609.4(PYGM):c.882_883insTCTCTTATACACAT (p.Lys295fs)

Gene: PYGM (glycogen phosphorylase, muscle associated; minus strand). Cytogenetic location: 11q13.1.
Variant type: Insertion.
Coding change: c.882_883insTCTCTTATACACAT on transcript NM_005609.4 (MANE Select); coding-DNA positions 882 to 883, TCTCTTATACACAT inserted.
Protein change: p.Lys295fs; shifts the reading frame from lysine 295.
Molecular consequence: frameshift variant.
Genome position: GRCh38 VCF-style: chr11-64754809-T-TATGTGTATAAGAGA. GRCh37 (hg19) VCF-style: chr11-64522281-T-TATGTGTATAAGAGA.
Other names: c.618_619insTCTCTTATACACAT, p.Lys207fs (NM_001164716.1); short protein forms K207fs, K295fs.
Identifiers: ClinVar variation 5010887 (VCV005010887.1).